The following is an entry in ClinVar:

NM_002769.5(PRSS1):c.610G>C (p.Val204Leu)

Genes: PRSS1 (serine protease 1; plus strand), TRB (T cell receptor beta locus; plus strand). Cytogenetic location: 7q34.
Variant type: single nucleotide variant.
Coding change: c.610G>C on transcript NM_002769.5 (MANE Select); coding-DNA position 610, G replaced by C.
Protein change: p.Val204Leu; replaces valine 204 with leucine.
Molecular consequence: missense variant. On other transcripts: non-coding transcript variant (5).
Genome position (GRCh38, 1-based): chr7:142,752,886, G>C. VCF-style: chr7-142752886-G-C. GRCh37 (hg19) VCF-style: chr7-142460737-G-C.
Other names: short protein forms V204L.
Identifiers: ClinVar variation 2563199 (VCV002563199.2), dbSNP rs1563263032, ClinGen allele CA369610603.

ClinVar aggregate classification (germline): Uncertain significance (1 of 4 stars; one submission).

Conditions:
Hereditary pancreatitis (PCTT). Also called: Hereditary chronic pancreatitis; PRSS1-Related Hereditary Pancreatitis. Identifiers: Orphanet 676, MedGen C0238339, MONDO:0008185, OMIM 167800.

Submission:

Ambry Genetics
Classification: Uncertain significance for Hereditary pancreatitis. Last evaluated: 2023-05-31. Review status: criteria provided, single submitter. Criteria: Ambry Variant Classification Scheme 2023. Collection method: clinical testing. Allele origin: germline.
Comment: The p.V204L variant (also known as c.610G>C), located in coding exon 5 of the PRSS1 gene, results from a G to C substitution at nucleotide position 610. The valine at codon 204 is replaced by leucine, an amino acid with highly similar properties. This amino acid position is conserved. In addition, the in silico prediction for this alteration is inconclusive. Since supporting evidence is limited at this time, the clinical significance of this alteration remains unclear.